The following is an entry in ClinVar:

NM_003466.4(PAX8):c.899-10C>T

Genes: PAX8 (paired box 8; minus strand), PAX8-AS1 (PAX8 antisense RNA 1; plus strand). Cytogenetic location: 2q14.1.
Variant type: single nucleotide variant.
Coding change: c.899-10C>T on transcript NM_003466.4 (MANE Select); 10 bases into the intron before coding-DNA position 899, C replaced by T.
Molecular consequence: intron variant.
Genome position (GRCh38, 1-based): chr2:113,235,592, G>A on the plus strand (C>T on the coding strand, the complement: PAX8 is on the minus strand). VCF-style: chr2-113235592-G-A. GRCh37 (hg19) VCF-style: chr2-113993169-G-A.
Other names: c.777+5959C>T (NM_013992.4, NM_013953.4); c.899-89C>T (NM_013952.4).
Identifiers: ClinVar variation 4988528 (VCV004988528.1).

ClinVar aggregate classification (germline): Likely benign (1 of 4 stars; one submission).

Conditions:
PAX8-related disorder. Also called: PAX8-related condition.

gnomAD v4.1: 14 of 1,602,532 alleles (0.00087%); highest among the groups gnomAD compares: Non-Finnish European, 0.0012%; no homozygotes.

Submission:

PreventionGenetics, part of Exact Sciences
Classification: Likely benign for PAX8-related condition. Last evaluated: 2026-07-02. Review status: criteria provided, single submitter. Criteria: ACMG Guidelines, 2015. Collection method: clinical testing. Allele origin: germline.
Comment: This variant is classified as likely benign based on ACMG/AMP sequence variant interpretation guidelines (Richards et al. 2015 PMID: 25741868, with internal and published modifications).